The following is an entry in ClinVar:

NM_033026.6(PCLO):c.11080A>G (p.Arg3694Gly)

Gene: PCLO (piccolo presynaptic cytomatrix protein; minus strand). Cytogenetic location: 7q21.11.
Variant type: single nucleotide variant.
Coding change: c.11080A>G on transcript NM_033026.6 (MANE Select); coding-DNA position 11080, A replaced by G.
Protein change: p.Arg3694Gly; replaces arginine 3694 with glycine.
Molecular consequence: missense variant.
Genome position (GRCh38, 1-based): chr7:82,949,508, T>C on the plus strand (A>G on the coding strand, the complement: PCLO is on the minus strand). VCF-style: chr7-82949508-T-C. GRCh37 (hg19) VCF-style: chr7-82578824-T-C.
Other names: c.11080A>G, p.Arg3694Gly (NM_014510.3); short protein forms R3694G.
Identifiers: ClinVar variation 1524571 (VCV001524571.6), dbSNP rs751271257, ClinGen allele CA4319631.

ClinVar aggregate classification (germline): Uncertain significance (1 of 4 stars; one submission).

Allele frequency attached by ClinVar (database versions not stated): TOPMed below 0.00001; ExAC 0.00001; gnomAD exomes 0.00001.
gnomAD v4.1: 7 of 1,610,398 alleles (0.00043%); highest among the groups gnomAD compares: South Asian, 0.0011%; no homozygotes.

Submission:

Labcorp Genetics (formerly Invitae), Labcorp
Classification: Uncertain significance. Last evaluated: 2023-07-17. Review status: criteria provided, single submitter. Criteria: Invitae Variant Classification Sherloc (09022015). Collection method: clinical testing. Allele origin: germline.
Comment: This sequence change replaces arginine, which is basic and polar, with glycine, which is neutral and non-polar, at codon 3694 of the PCLO protein (p.Arg3694Gly). In summary, the available evidence is currently insufficient to determine the role of this variant in disease. Therefore, it has been classified as a Variant of Uncertain Significance. Experimental studies and prediction algorithms are not available or were not evaluated, and the functional significance of this variant is currently unknown. ClinVar contains an entry for this variant (Variation ID: 1524571). This variant has not been reported in the literature in individuals affected with PCLO-related conditions. This variant is present in population databases (rs751271257, gnomAD 0.002%).